The following is an entry in ClinVar:

NM_001378452.1(ITPR1):c.7222G>C (p.Val2408Leu)

Gene: ITPR1 (inositol 1,4,5-trisphosphate receptor type 1; plus strand). Cytogenetic location: 3p26.1.
Variant type: single nucleotide variant.
Coding change: c.7222G>C on transcript NM_001378452.1 (MANE Select); coding-DNA position 7222, G replaced by C.
Protein change: p.Val2408Leu; replaces valine 2408 with leucine.
Molecular consequence: missense variant.
Genome position (GRCh38, 1-based): chr3:4,806,217, G>C. VCF-style: chr3-4806217-G-C. GRCh37 (hg19) VCF-style: chr3-4847901-G-C.
Other names: c.7078G>C, p.Val2360Leu (NM_001099952.4); c.7177G>C, p.Val2393Leu (NM_001168272.2); c.7033G>C, p.Val2345Leu (NM_002222.7); short protein forms V2393L, V2345L, V2360L, V2408L.
Identifiers: ClinVar variation 2985088 (VCV002985088.3), dbSNP rs1241213674, ClinGen allele CA351645768.

ClinVar aggregate classification (germline): Uncertain significance (1 of 4 stars; one submission).

Allele frequency attached by ClinVar (database versions not stated): TOPMed below 0.00001; gnomAD 0.00001.
gnomAD v4.1: 2 of 1,613,888 alleles (0.00012%); highest among the groups gnomAD compares: African/African-American, 0.0027%; no homozygotes.

Submission:

Labcorp Genetics (formerly Invitae), Labcorp
Classification: Uncertain significance. Last evaluated: 2023-08-07. Review status: criteria provided, single submitter. Criteria: Invitae Variant Classification Sherloc (09022015). Collection method: clinical testing. Allele origin: germline.
Comment: In summary, the available evidence is currently insufficient to determine the role of this variant in disease. Therefore, it has been classified as a Variant of Uncertain Significance. Advanced modeling of protein sequence and biophysical properties (such as structural, functional, and spatial information, amino acid conservation, physicochemical variation, residue mobility, and thermodynamic stability) performed at Invitae indicates that this missense variant is not expected to disrupt ITPR1 protein function. This variant has not been reported in the literature in individuals affected with ITPR1-related conditions. This variant is not present in population databases (gnomAD no frequency). This sequence change replaces valine, which is neutral and non-polar, with leucine, which is neutral and non-polar, at codon 2345 of the ITPR1 protein (p.Val2345Leu).